The following continues an entry in ClinVar:

NM_000518.5(HBB):c.126_129del (p.Phe42fs)

ClinVar aggregate classification (germline): Pathogenic/Likely pathogenic. Pathogenic (27); Likely pathogenic (1).

Submissions 12 to 28 of 32:

Department of Pathology and Laboratory Medicine, Sinai Health System
Classification: Pathogenic for Heinz body anemia; Hereditary persistence of fetal hemoglobin; Dominant beta-thalassemia; Hb SS disease; alpha Thalassemia; Beta-thalassemia HBB/LCRB; METHEMOGLOBINEMIA, BETA TYPE; Erythrocytosis, familial, 6. Last evaluated: 2023-01-10. Review status: criteria provided, single submitter. Criteria: ACMG Guidelines, 2015. Collection method: research. Allele origin: germline.

Genetics and Genomic Medicine Centre, NeuroGen Healthcare, NeuroGen Healthcare
Classification: Pathogenic for Hereditary persistence of fetal hemoglobin. Last evaluated: 2022-03-16. Review status: criteria provided, single submitter. Criteria: Submitter's publication. Collection method: clinical testing. Allele origin: unknown. Affected: no.

Genetics and Molecular Pathology, SA Pathology
Classification: Pathogenic for Beta-thalassemia HBB/LCRB. Last evaluated: 2021-11-04. Review status: criteria provided, single submitter. Criteria: ACMG Guidelines, 2015. Collection method: clinical testing. Allele origin: germline. Inheritance: Autosomal recessive inheritance. Affected: yes.

GeneDx
Classification: Pathogenic. Last evaluated: 2021-11-03. Review status: criteria provided, single submitter. Criteria: GeneDx Variant Classification Process June 2021. Collection method: clinical testing. Allele origin: germline. Affected: yes.
Comment: Frameshift variant predicted to result in protein truncation or nonsense mediated decay in a gene for which loss-of-function is a known mechanism of disease; This variant is associated with the following publications: (PMID: 20181291, 22975760, 6826539, 11224481, 24200214, 28635337, 26096776, 30487145, 30945812, 31111750, 31930713, 30275481, 10870880, 33198537, 8091935)

Revvity Omics, Revvity
Classification: Pathogenic. Last evaluated: 2020-01-06. Review status: criteria provided, single submitter. Criteria: ACMG Guidelines, 2015. Collection method: clinical testing. Allele origin: germline.

Myriad Genetics, Inc.
Classification: Pathogenic for Beta-thalassemia HBB/LCRB. Last evaluated: 2019-12-09. Review status: criteria provided, single submitter. Criteria: Myriad Women's Health Autosomal Recessive and X-Linked Classification Criteria (2019). Collection method: clinical testing. Allele origin: unknown.
Comment: NM_000518.4(HBB):c.126_129delCTTT(F42Lfs*19) is classified as pathogenic in the context of Hb beta chain-related hemoglobinopathy; it is associated with beta thalassemia and is classified as a beta-zero variant. Sources cited for classification include the following: PMID 6826539, 25000193, 6714226 and 25480500. Classification of NM_000518.4(HBB):c.126_129delCTTT(F42Lfs*19) is based on the following criteria: The variant causes a premature termination codon that is expected to be targeted by nonsense-mediated mRNA decay and is reported in individuals with the relevant phenotype. Please note: this variant was assessed in the context of healthy population screening.

Institute of Human Genetics, University of Leipzig Medical Center
Classification: Pathogenic for Hereditary persistence of fetal hemoglobin. Last evaluated: 2019-01-01. Review status: criteria provided, single submitter. Criteria: ACMG Guidelines, 2015. Collection method: clinical testing. Allele origin: unknown. Affected: no.

Illumina Laboratory Services, Illumina
Classification: Likely pathogenic for Beta-thalassemia HBB/LCRB. Last evaluated: 2018-10-31. Review status: criteria provided, single submitter. Criteria: ICSL Variant Classification Criteria 09 May 2019. Collection method: clinical testing. Allele origin: germline.
Comment: The HBB c.126_129delCTTT (p.Phe42LeufsTer19) variant, also described as codon 41/42 (-CTTT) or codon 41/42 (-TTCT), results in a frameshift and is predicted to result in premature truncation of the protein. This variant is particularly prevalent in the Chinese population and is usually associated with a beta-thalassemia phenotype (Lin et al. 2014; Zhang et al. 2015; Yu et al. 2015; Origa et al 2015). Across a selection of the available literature, the p.Phe42LeufsTer19 variant has been identified in a homozygous state in one individual and in a compound heterozygous state in seven individuals, all with beta-thalassemia (Kimura et al. 1983; Hernanda et al. 2012; Huang et al. 2014; Italia et al. 2015; Rujito et al. 2015). Control data are unavailable for this variant, which is reported at a frequency of 0.00496 in the East Asian population of the 1000 Genomes. Based on the evidence and the potential impact of frameshift variants, the p.Phe42LeufsTer19 variant is interpreted as pathogenic for beta-thalassemia. This variant was observed by ICSL as part of a predisposition screen in an ostensibly healthy population.

Clinical Genetics and Genomics, Karolinska University Hospital
Classification: Pathogenic. Last evaluated: 2017-08-29. Review status: criteria provided, single submitter. Criteria: ACMG Guidelines, 2015. Collection method: clinical testing. Allele origin: germline. Affected: yes. Observed: 2 variant alleles.

Center for Pediatric Genomic Medicine, Children's Mercy Hospital and Clinics
Classification: Pathogenic. Last evaluated: 2017-03-22. Review status: criteria provided, single submitter. Criteria: ACMG Guidelines, 2015. Collection method: clinical testing. Allele origin: germline.

Quest Diagnostics Nichols Institute San Juan Capistrano
Classification: Pathogenic. Last evaluated: 2016-11-04. Review status: criteria provided, single submitter. Criteria: Quest Diagnostics criteria. Collection method: clinical testing. Allele origin: germline.

Women's Health and Genetics/Laboratory Corporation of America, LabCorp
Classification: Pathogenic for beta Thalassemia. Last evaluated: 2016-04-12. Review status: criteria provided, single submitter. Criteria: LabCorp Variant Classification Summary - May 2015. Collection method: clinical testing. Allele origin: germline.
Comment: Variant summary: The c.126_129delCTTT variant results in a premature termination codon, predicted to cause a truncated or absent HBB protein, which is a commonly known mechanism for disease. Truncations downstream of this position have been classified as pathogenic by our laboratory (e.g.c.135delC, c.143_146dupATCT). Mutation taster predicts damaging outcome for this variant. This variant is found in 33/121370 control chromosomes at a frequency of 0.0002719, which does not exceed maximal expected frequency of a pathogenic allele (0.0111803). This variant is reported in the literatures as a well-known pathogenic variant predominantly identified in East and South Asian. In addition, multiple reputable databases classified this variant as pathogenic. Taken together, this variant was classified as pathogenic.

Ambry Genetics
Classification: Pathogenic for Inborn genetic diseases. Last evaluated: 2015-11-25. Review status: criteria provided, single submitter. Criteria: Ambry Variant Classification Scheme 2023. Collection method: clinical testing. Allele origin: germline.
Comment: The c.126_129delCTTT pathogenic mutation (also known as codons 41/42 (-TTCT) and c.124_127delTTCT), located in coding exon 2 of the HBB gene, results from a deletion of 4 nucleotides between positions 126 and 129, causing a translational frameshift with a predicted alternate stop codon (p.F42Lfs*19). In addition to the clinical data presented in the literature, this alteration is expected to result in loss of function by premature protein truncation or nonsense-mediated mRNA decay. As such, this alteration is interpreted as a disease-causing mutation.

Baylor Genetics
Classification: Pathogenic for Hb SS disease. Review status: criteria provided, single submitter. Criteria: ACMG Guidelines, 2015. Collection method: clinical testing. Allele origin: germline.

Juno Genomics, Hangzhou Juno Genomics, Inc
Classification: Pathogenic for Malaria, susceptibility to; Hereditary persistence of fetal hemoglobin; Erythrocytosis, familial, 6; Heinz body anemia; METHEMOGLOBINEMIA, BETA TYPE; Hb SS disease; Dominant beta-thalassemia; Beta-thalassemia HBB/LCRB. Review status: criteria provided, single submitter. Criteria: ACMG Guidelines, 2015. Collection method: clinical testing. Allele origin: germline.
Comment: Null variant in a gene where loss of function (LOF) is a known mechanism of disease.;For recessive disorders, detected in trans with a pathogenic variant.;Patient's phenotype or family history is highly specific for a disease with a single genetic etiology.

Lifecell International Pvt. Ltd
Classification: Pathogenic for Beta-thalassemia HBB/LCRB. Review status: criteria provided, single submitter. Criteria: ACMG Guidelines, 2015. Collection method: clinical testing. Allele origin: germline. Inheritance: Autosomal recessive inheritance. Affected: yes. Observed: 1 compound heterozygote.
Comment: A Heterozygous Frameshift variant c.126_129delCTTT in Exon 2 of the HBB gene that results in the premature termination of the protein (p.Phe42fs*19) was identified. The observed variant has a minor allele frequency of 0.00028% in gnomAD exomes and genomes, respectively. The severity of the impact of this variant on the protein is high, based on the effect ofthe protein and REVEL score . Rare Exome Variant Ensemble Learner (REVEL) is an ensembl method for predicting the pathogenicity of missense variants based on a combination ofscores from 13 individual tools: MutPred, FATHMM v2.3, VEST 3.0, PolyPhen-2, SIFT, PROVEAN, MutationAssessor, MutationTaster, LRT, GERP++, SiPhy, phyloP, and phastCons.The REVEL score for an individual missense variant can range from 0 to 1, with higher scores reflecting greater likelihood that the variant is disease-causing. The variant was found inClinVar (Variant ID :15417) with a classification of Pathogenic/Likely Pathogenic and a review status of (2 star) criteria provided, multiple submitters, no conflicts. The variant is reported in many patients with beta thalassemia (Chen W et al.,2010). Based on the above evidence this variant has been classified as Pathogenic according to the ACMG guidelines.

Neuberg Centre For Genomic Medicine, NCGM
Classification: Pathogenic for Beta-thalassemia HBB/LCRB. Review status: criteria provided, single submitter. Criteria: ACMG Guidelines, 2015. Collection method: clinical testing. Allele origin: germline. Inheritance: Autosomal recessive inheritance. Affected: yes.
Comment: This variant c.126_129del (p.Phe42LeufsTer19) in HBB gene has been observed in the homozygous and compound heterozygous state in several individuals with HBB-related conditions (Kimura A et al., 1983). This sequence change creates a premature translational stop signal (p.Phe42Leufs*19) in the HBB gene. It is expected to result in an absent or disrupted protein product. This variant is present in the gnomAD database with a frequency of 0.03%. Loss-of-function variants in HBB are known to be pathogenic (Craig JE et al., 1994). This variant has been reported to the ClinVar database as Pathogenic. For these reasons, this variant has been classified as Pathogenic.